The following is an entry in ClinVar:

ClinVar aggregate classification (germline): Likely benign (1 of 4 stars; one submission).

Allele frequency attached by ClinVar (database versions not stated): ESP Exome Variant Server 0.00237; TOPMed 0.00385; 1000 Genomes Project 0.00419.
gnomAD v4.1: 2,447 of 1,600,236 alleles (0.15%); highest among the groups gnomAD compares: African/African-American, 0.97%; 10 homozygotes.

Submission:

CeGaT Center for Human Genetics Tuebingen
Classification: Likely benign. Last evaluated: 2026-08-01. Review status: criteria provided, single submitter. Criteria: CeGaT Center For Human Genetics Tuebingen Variant Classification Criteria Version 2. Collection method: clinical testing. Allele origin: germline. Affected: yes. Observed: 3 variant alleles.
Comment: AHNAK2: BP4, BP7

NM_138420.4(AHNAK2):c.10443C>A (p.Pro3481=)

Gene: AHNAK2 (AHNAK nucleoprotein 2; minus strand). Cytogenetic location: 14q32.33.
Variant type: single nucleotide variant.
Coding change: c.10443C>A on transcript NM_138420.4 (MANE Select); coding-DNA position 10443, C replaced by A.
Protein change: p.Pro3481=; no amino-acid change (proline 3481 retained).
Molecular consequence: synonymous variant.
Genome position (GRCh38, 1-based): chr14:104,945,008, G>T on the plus strand (C>A on the coding strand, the complement: AHNAK2 is on the minus strand). VCF-style: chr14-104945008-G-T. GRCh37 (hg19) VCF-style: chr14-105411345-G-T.
Other names: c.10143C>A, p.Pro3381= (NM_001350929.2).
Identifiers: ClinVar variation 2644670 (VCV002644670.24), dbSNP rs147845524, ClinGen allele CA7379146.